The following is an entry in ClinVar:

NM_001282531.3(ADNP):c.1659A>G (p.Thr553=)

Gene: ADNP (activity dependent neuroprotector homeobox; minus strand). Cytogenetic location: 20q13.13.
Variant type: single nucleotide variant.
Coding change: c.1659A>G on transcript NM_001282531.3 (MANE Select); coding-DNA position 1659, A replaced by G.
Protein change: p.Thr553=; no amino-acid change (threonine 553 retained).
Molecular consequence: synonymous variant.
Genome position (GRCh38, 1-based): chr20:50,893,055, T>C on the plus strand (A>G on the coding strand, the complement: ADNP is on the minus strand). VCF-style: chr20-50893055-T-C. GRCh37 (hg19) VCF-style: chr20-49509592-T-C.
Other names: c.1659A>G, p.Thr553= (NM_001282532.2, NM_001347511.2, NM_015339.5 and 1 more transcripts).
Identifiers: ClinVar variation 2725152 (VCV002725152.4), dbSNP rs772068325, ClinGen allele CA9908701.
Genomic context (GRCh38, chr20:50,893,055, plus strand): 5'-ATCCCTCAGATTGTATGTAGTTACCAGGAGATGGATGTTAGTGTGACTACCCTGCTGCAA[T>C]GTCAAATCAAAACTCAAAGTAGAATCTGTTTTAGGTCCCATCTCTTCATCAATGTGAACC-3'
Protein context (NP_001269460.1, residues 543-563): KTDSTLSFDL[Thr553=]LQQGSHTNIH

ClinVar aggregate classification (germline): Benign/Likely benign. Review status: criteria provided, multiple submitters, no conflicts (2 of 4 stars). 2 submissions from 2 submitters: Benign (1); Likely benign (1). Last evaluated 2024-09-19.

Allele frequency attached by ClinVar (database versions not stated): gnomAD 0.00001; gnomAD exomes 0.00002; ExAC 0.00003.
gnomAD v4.1: 37 of 1,614,114 alleles (0.0023%); highest among the groups gnomAD compares: Non-Finnish European, 0.00059%; no homozygotes.

Submissions (2):

Women's Health and Genetics/Laboratory Corporation of America, LabCorp
Classification: Likely benign. Last evaluated: 2024-09-19. Review status: criteria provided, single submitter. Criteria: LabCorp Variant Classification Summary - May 2015. Collection method: clinical testing. Allele origin: germline.
Comment: Variant summary: ADNP c.1659A>G alters a conserved nucleotide resulting in a synonymous change. Consensus agreement among computation tools predict no significant impact on normal splicing. However, these predictions have yet to be confirmed by functional studies. The variant allele was found at a frequency of 3.6e-05 in 251310 control chromosomes. The available data on variant occurrences in the general population are insufficient to allow any conclusion about variant significance. To our knowledge, no occurrence of c.1659A>G in individuals affected with ADNP-Related Multiple Congenital Anomalies-Intellectual Disability-Autism Spectrum Disorder and no experimental evidence demonstrating its impact on protein function have been reported. ClinVar contains an entry for this variant (Variation ID: 2725152). Based on the evidence outlined above, the variant was classified as likely benign.

Labcorp Genetics (formerly Invitae), Labcorp
Classification: Benign. Last evaluated: 2022-12-08. Review status: criteria provided, single submitter. Criteria: Invitae Variant Classification Sherloc (09022015). Collection method: clinical testing. Allele origin: germline.